The following is an entry in ClinVar:

NM_000321.3(RB1):c.752G>A (p.Arg251Gln)

Gene: RB1 (RB transcriptional corepressor 1; plus strand). Cytogenetic location: 13q14.2.
Variant type: single nucleotide variant.
Coding change: c.752G>A on transcript NM_000321.3 (MANE Select); coding-DNA position 752, G replaced by A.
Protein change: p.Arg251Gln; replaces arginine 251 with glutamine.
Molecular consequence: missense variant.
Genome position (GRCh38, 1-based): chr13:48,362,848, G>A. VCF-style: chr13-48362848-G-A. GRCh37 (hg19) VCF-style: chr13-48936984-G-A.
Other names: short protein forms R251Q.
Identifiers: ClinVar variation 575378 (VCV000575378.15), dbSNP rs772678500, ClinGen allele CA039463.

ClinVar aggregate classification (germline): Conflicting classifications of pathogenicity. Review status: criteria provided, conflicting classifications (1 of 4 stars). 4 submissions from 4 submitters: Uncertain significance (3); Likely benign (1). Last evaluated 2025-12-21.

Conditions:
Small cell lung carcinoma. Also called: Small cell lung cancer; Lung oat cell carcinoma; SMALL CELL CANCER OF THE LUNG, SOMATIC. Identifiers: Orphanet 70573, MedGen C0149925, MeSH D055752, MONDO:0008433, OMIM 182280, HP:0030357.
Retinoblastoma (RB1). Also called: RETINOBLASTOMA, SOMATIC. Identifiers: Orphanet 790, MedGen C0035335, MeSH D012175, MONDO:0008380, OMIM 180200, HP:0009919. Disease mechanism: loss of function. Inheritance: Both sporadic and heritable forms are tested..
Bone osteosarcoma. Also called: Osteosarcoma, somatic. Identifiers: Orphanet 668, MedGen C0585442, MONDO:0002629, OMIM 259500.
Malignant tumor of urinary bladder. Also called: Urinary bladder cancer; Bladder cancer; Urinary Bladder Neoplasms. Identifiers: MedGen C0005684, MONDO:0001187, OMIM 109800.
Hereditary cancer-predisposing syndrome. Also called: Tumor predisposition; Hereditary neoplastic syndrome; Hereditary Cancer Syndrome; Neoplastic Syndromes, Hereditary. Identifiers: Orphanet 140162, MedGen C0027672, MeSH D009386, MONDO:0015356.

Allele frequency attached by ClinVar (database versions not stated): gnomAD exomes below 0.00001; ExAC 0.00001; gnomAD 0.00001.
gnomAD v4.1: 6 of 1,613,592 alleles (0.00037%); highest among the groups gnomAD compares: Non-Finnish European, 0.00034%; no homozygotes.

Submissions (4):

Labcorp Genetics (formerly Invitae), Labcorp
Classification: Likely benign for Retinoblastoma. Last evaluated: 2025-12-21. Review status: criteria provided, single submitter. Criteria: Invitae Variant Classification Sherloc (09022015). Collection method: clinical testing. Allele origin: germline.

Ambry Genetics
Classification: Uncertain significance for Hereditary cancer-predisposing syndrome. Last evaluated: 2024-10-24. Review status: criteria provided, single submitter. Criteria: Ambry Variant Classification Scheme 2023. Collection method: clinical testing. Allele origin: germline.
Comment: The p.R251Q variant (also known as c.752G>A), located in coding exon 8 of the RB1 gene, results from a G to A substitution at nucleotide position 752. The arginine at codon 251 is replaced by glutamine, an amino acid with highly similar properties. This amino acid position is highly conserved in available vertebrate species. In addition, the in silico prediction for this alteration is inconclusive. Since supporting evidence is limited at this time, the clinical significance of this alteration remains unclear.

All of Us Research Program, National Institutes of Health
Classification: Uncertain significance for Retinoblastoma. Last evaluated: 2024-04-16. Review status: criteria provided, single submitter. Criteria: ACMG Guidelines, 2015. Collection method: clinical testing. Allele origin: germline. Inheritance: Autosomal dominant inheritance. Observed: 2 variant alleles, 2 heterozygotes.
Comment: This missense variant replaces arginine with glutamine at codon 251 of the RB1 protein. Computational prediction is inconclusive regarding the impact of this variant on protein structure and function (internally defined REVEL score threshold 0.5 < inconclusive < 0.7, PMID: 27666373). To our knowledge, functional studies have not been reported for this variant. This variant has not been reported in individuals affected with RB1-related disorders in the literature. This variant has been identified in 1/251134 chromosomes in the general population by the Genome Aggregation Database (gnomAD). The available evidence is insufficient to determine the role of this variant in disease conclusively. Therefore, this variant is classified as a Variant of Uncertain Significance.

This study involves interpretation of variants in research participants for the purpose of population health screening. Participant phenotype was not available at the time of variant classification. Additional details can be found in publication PMID: 35346344, PMCID: PMC8962531

Fulgent Genetics
Classification: Uncertain significance for Malignant tumor of urinary bladder; Retinoblastoma; Small cell lung carcinoma; Bone osteosarcoma. Last evaluated: 2018-10-31. Review status: criteria provided, single submitter. Criteria: ACMG Guidelines, 2015. Collection method: clinical testing. Allele origin: unknown.